The following is an entry in ClinVar:

ClinVar aggregate classification (germline): Conflicting classifications of pathogenicity. Review status: criteria provided, conflicting classifications (1 of 4 stars). 5 submissions from 5 submitters: Uncertain significance (3); Likely benign (2). Last evaluated 2025-02-26.

Conditions:
Hereditary cancer-predisposing syndrome. Also called: Hereditary Cancer Syndrome; Hereditary neoplastic syndrome; Neoplastic Syndromes, Hereditary; Tumor predisposition. Identifiers: Orphanet 140162, MedGen C0027672, MeSH D009386, MONDO:0015356.
Breast-ovarian cancer, familial, susceptibility to, 2 (BROVCA2). Also called: BRCA2 Hereditary Breast and Ovarian Cancer. Identifiers: Orphanet 145, MedGen C2675520, MONDO:0012933, OMIM 612555. Disease mechanism: loss of function.
Familial cancer of breast. Also called: BREAST CANCER, FAMILIAL; hereditary breast carcinoma; Hereditary breast cancer. Identifiers: Orphanet 227535, MedGen C0346153, MONDO:0016419, OMIM 114480. Disease mechanism: loss of function.
Hereditary cancer. Identifiers: MedGen C1333600.

Allele frequency attached by ClinVar (database versions not stated): gnomAD exomes below 0.00001.
gnomAD v4.1: 1 of 1,613,356 alleles (0.000062%); highest among the groups gnomAD compares: Non-Finnish European, 0.000085%; no homozygotes.

Submissions (5):

Mendelics
Classification: Likely benign for Hereditary cancer. Last evaluated: 2025-02-26. Review status: criteria provided, single submitter. Criteria: ACMG Guidelines, 2015. Collection method: clinical testing. Allele origin: unknown.
Comment: This variant is considered likely benign or benign based on one or more of the following: it is predicted to be benign by multiple in silico algorithms, and/or has population frequency not consistent with disease, and/or has normal protein function, and/or has lack of segregation with disease, and/or has been detected in co-occurrence with known pathogenic variant, and/or has lack of disease association in case-control studies, and/or is located in a region inconsistent with a known cause of pathogenicity.

Ambry Genetics
Classification: Uncertain significance for Hereditary cancer-predisposing syndrome. Last evaluated: 2023-12-04. Review status: criteria provided, single submitter. Criteria: Ambry Variant Classification Scheme 2023. Collection method: clinical testing. Allele origin: germline.
Comment: The p.H1022R variant (also known as c.3065A>G), located in coding exon 10 of the BRCA2 gene, results from an A to G substitution at nucleotide position 3065. The histidine at codon 1022 is replaced by arginine, an amino acid with highly similar properties. This amino acid position is not well conserved in available vertebrate species. In addition, the in silico prediction for this alteration is inconclusive. Since supporting evidence is limited at this time, the clinical significance of this alteration remains unclear.

University of Washington Department of Laboratory Medicine, University of Washington
Classification: Likely benign for Hereditary cancer-predisposing syndrome. Last evaluated: 2023-03-23. Review status: criteria provided, single submitter. Criteria: Dines et al. (Genet Med. 2020). Collection method: curation. Allele origin: germline.
Comment: Missense variant in a coldspot region where missense variants are very unlikely to be pathogenic (PMID:31911673).

BRCA2 exon 11 coldspot. Reclassification based on statistical prior probability.

Color Diagnostics, LLC DBA Color Health
Classification: Uncertain significance for Hereditary cancer-predisposing syndrome. Last evaluated: 2021-02-11. Review status: criteria provided, single submitter. Criteria: ACMG Guidelines, 2015. Collection method: clinical testing. Allele origin: germline.
Comment: This missense variant replaces histidine with arginine at codon 1022 of the BRCA2 protein. Computational prediction suggests that this variant may not impact protein structure and function (internally defined REVEL score threshold <= 0.5, PMID: 27666373). To our knowledge, functional studies have not been reported for this variant. This variant has not been reported in individuals affected with hereditary cancer in the literature. This variant has not been identified in the general population by the Genome Aggregation Database (gnomAD). The available evidence is insufficient to determine the role of this variant in disease conclusively. Therefore, this variant is classified as a Variant of Uncertain Significance.

Department of Pathology and Laboratory Medicine, Sinai Health System
Classification: Uncertain significance for Familial cancer of breast; Breast-ovarian cancer, familial, susceptibility to, 2. Last evaluated: 2020-05-13. Review status: criteria provided, single submitter. Criteria: ACMG Guidelines, 2015. Collection method: clinical testing. Allele origin: germline. Affected: yes.

NM_000059.4(BRCA2):c.3065A>G (p.His1022Arg)

Gene: BRCA2 (BRCA2 DNA repair associated; plus strand). Cytogenetic location: 13q13.1.
Variant type: single nucleotide variant.
Coding change: c.3065A>G on transcript NM_000059.4 (MANE Select); coding-DNA position 3065, A replaced by G.
Protein change: p.His1022Arg; replaces histidine 1022 with arginine.
Molecular consequence: missense variant.
Genome position (GRCh38, 1-based): chr13:32,337,420, A>G. VCF-style: chr13-32337420-A-G. GRCh37 (hg19) VCF-style: chr13-32911557-A-G.
Other names: short protein forms H1022R.
Identifiers: ClinVar variation 1331922 (VCV001331922.7), dbSNP rs1032226790, ClinGen allele CA247503593.
Genomic context (GRCh38, chr13:32,337,420, plus strand): 5'-ATCACAGTTTTGGAGGTAGCTTCAGAACAGCTTCAAATAAGGAAATCAAGCTCTCTGAAC[A>G]TAACATTAAGAAGAGCAAAATGTTCTTCAAAGATATTGAAGAACAATATCCTACTAGTTT-3'
Protein context (NP_000050.3, residues 1012-1032): ASNKEIKLSE[His1022Arg]NIKKSKMFFK